The following is an entry in ClinVar:

NM_002470.4(MYH3):c.5621T>C (p.Val1874Ala)

Gene: MYH3 (myosin heavy chain 3; minus strand). Cytogenetic location: 17p13.1.
Variant type: single nucleotide variant.
Coding change: c.5621T>C on transcript NM_002470.4 (MANE Select); coding-DNA position 5621, T replaced by C.
Protein change: p.Val1874Ala; replaces valine 1874 with alanine.
Molecular consequence: missense variant.
Genome position (GRCh38, 1-based): chr17:10,629,879, A>G on the plus strand (T>C on the coding strand, the complement: MYH3 is on the minus strand). VCF-style: chr17-10629879-A-G. GRCh37 (hg19) VCF-style: chr17-10533196-A-G.
Other names: short protein forms V1874A.
Identifiers: ClinVar variation 4799326 (VCV004799326.1).

ClinVar aggregate classification (germline): Uncertain significance (1 of 4 stars; one submission).

gnomAD v4.1: 20 of 1,613,892 alleles (0.0012%); highest among the groups gnomAD compares: East Asian, 0.0022%; no homozygotes.

Submission:

Labcorp Genetics (formerly Invitae), Labcorp
Classification: Uncertain significance. Last evaluated: 2025-11-24. Review status: criteria provided, single submitter. Criteria: Invitae Variant Classification Sherloc (09022015). Collection method: clinical testing. Allele origin: germline.
Comment: This sequence change replaces valine, which is neutral and non-polar, with alanine, which is neutral and non-polar, at codon 1874 of the MYH3 protein (p.Val1874Ala). This variant is present in population databases (rs759371633, gnomAD 0.005%). This variant has not been reported in the literature in individuals affected with MYH3-related conditions. Invitae Evidence Modeling of protein sequence and biophysical properties (such as structural, functional, and spatial information, amino acid conservation, physicochemical variation, residue mobility, and thermodynamic stability) indicates that this missense variant is not expected to disrupt MYH3 protein function with a negative predictive value of 95%. In summary, the available evidence is currently insufficient to determine the role of this variant in disease. Therefore, it has been classified as a Variant of Uncertain Significance.